The following is an entry in ClinVar:

NM_001199753.2(CPT1C):c.1166C>T (p.Thr389Met)

Gene: CPT1C (carnitine palmitoyltransferase 1C; plus strand). Cytogenetic location: 19q13.33.
Variant type: single nucleotide variant.
Coding change: c.1166C>T on transcript NM_001199753.2 (MANE Select); coding-DNA position 1166, C replaced by T.
Protein change: p.Thr389Met; replaces threonine 389 with methionine.
Molecular consequence: missense variant. On other transcripts: non-coding transcript variant (1).
Genome position (GRCh38, 1-based): chr19:49,706,236, C>T. VCF-style: chr19-49706236-C-T. GRCh37 (hg19) VCF-style: chr19-50209493-C-T.
Other names: c.1133C>T, p.Thr378Met (NM_001136052.3, NM_001378485.1, NM_001378487.1); c.1166C>T, p.Thr389Met (NM_001199752.3, NM_001378483.1, NM_001378484.1 and 3 more transcripts); c.1232C>T, p.Thr411Met (NM_001378482.1); short protein forms T389M, T411M, T378M.
Identifiers: ClinVar variation 2722921 (VCV002722921.3), dbSNP rs769810756, ClinGen allele CA9582111.

ClinVar aggregate classification (germline): Uncertain significance (1 of 4 stars; one submission).

Conditions:
Hereditary spastic paraplegia 73. Also called: Spastic paraplegia 73, autosomal dominant. Identifiers: Orphanet 444099, MedGen C5568981, MONDO:0014568, OMIM 616282.

Allele frequency attached by ClinVar (database versions not stated): gnomAD 0.00001.
gnomAD v4.1: 35 of 1,533,182 alleles (0.0023%); highest among the groups gnomAD compares: Admixed American, 0.0066%; no homozygotes.

Submission:

Labcorp Genetics (formerly Invitae), Labcorp
Classification: Uncertain significance for Hereditary spastic paraplegia 73. Last evaluated: 2025-07-14. Review status: criteria provided, single submitter. Criteria: Invitae Variant Classification Sherloc (09022015). Collection method: clinical testing. Allele origin: germline.
Comment: This sequence change replaces threonine, which is neutral and polar, with methionine, which is neutral and non-polar, at codon 378 of the CPT1C protein (p.Thr378Met). This variant is present in population databases (rs769810756, gnomAD 0.005%). This variant has not been reported in the literature in individuals affected with CPT1C-related conditions. ClinVar contains an entry for this variant (Variation ID: 2722921). An algorithm developed to predict the effect of missense changes on protein structure and function outputs the following: PolyPhen-2: "Benign". The methionine amino acid residue is found in multiple mammalian species, which suggests that this missense change does not adversely affect protein function. In summary, the available evidence is currently insufficient to determine the role of this variant in disease. Therefore, it has been classified as a Variant of Uncertain Significance.